The following is an entry in ClinVar:

NM_001379610.1(SPINK1):c.107T>C (p.Leu36Pro)

Gene: SPINK1 (serine peptidase inhibitor Kazal type 1; minus strand). Cytogenetic location: 5q32.
Variant type: single nucleotide variant.
Coding change: c.107T>C on transcript NM_001379610.1 (MANE Select); coding-DNA position 107, T replaced by C.
Protein change: p.Leu36Pro; replaces leucine 36 with proline.
Molecular consequence: missense variant.
Genome position (GRCh38, 1-based): chr5:147,828,109, A>G on the plus strand (T>C on the coding strand, the complement: SPINK1 is on the minus strand). VCF-style: chr5-147828109-A-G. GRCh37 (hg19) VCF-style: chr5-147207672-A-G.
Other names: c.107T>C, p.Leu36Pro (NM_001354966.2, NM_003122.5); short protein forms L36P.
Identifiers: ClinVar variation 1786135 (VCV001786135.2), dbSNP rs2480199253, ClinGen allele CA361885348.

ClinVar aggregate classification (germline): Uncertain significance (1 of 4 stars; one submission).

Conditions:
Hereditary pancreatitis (PCTT). Also called: Hereditary chronic pancreatitis; PRSS1-Related Hereditary Pancreatitis. Identifiers: Orphanet 676, MedGen C0238339, MONDO:0008185, OMIM 167800.

Allele frequency attached by ClinVar (database versions not stated): gnomAD exomes below 0.00001.
gnomAD v4.1: 1 of 1,613,260 alleles (0.000062%); highest among the groups gnomAD compares: East Asian, 0.0022%; no homozygotes.

Submission:

Ambry Genetics
Classification: Uncertain significance for Hereditary pancreatitis. Last evaluated: 2022-05-06. Review status: criteria provided, single submitter. Criteria: Ambry Variant Classification Scheme 2023. Collection method: clinical testing. Allele origin: germline.
Comment: The p.L36P variant (also known as c.107T>C), located in coding exon 3 of the SPINK1 gene, results from a T to C substitution at nucleotide position 107. The leucine at codon 36 is replaced by proline, an amino acid with similar properties. This amino acid position is conserved. In addition, this alteration is predicted to be tolerated by in silico analysis. Since supporting evidence is limited at this time, the clinical significance of this alteration remains unclear.